The following is an entry in ClinVar:

NM_177965.4(CFAP418):c.3G>A (p.Met1Ile)

Genes: CFAP418 (cilia and flagella associated protein 418; minus strand), CFAP418-AS1 (CFAP418 antisense RNA 1; plus strand), LOC130000784 (ATAC-STARR-seq lymphoblastoid active region 27655; plus strand). Cytogenetic location: 8q22.1.
Variant type: single nucleotide variant.
Coding change: c.3G>A on transcript NM_177965.4 (MANE Select); coding-DNA position 3, G replaced by A.
Protein change: p.Met1Ile; changes the start codon (methionine 1).
Molecular consequence: missense variant, initiator codon variant.
Genome position (GRCh38, 1-based): chr8:95,269,187, C>T on the plus strand (G>A on the coding strand, the complement: CFAP418 is on the minus strand). VCF-style: chr8-95269187-C-T. GRCh37 (hg19) VCF-style: chr8-96281415-C-T.
Other names: NM_177965.4:c.3G>A; c.3G>A, p.Met1Ile (NM_001363260.1); short protein forms M1I.
Identifiers: ClinVar variation 1297145 (VCV001297145.4), dbSNP rs1249678588, ClinGen allele CA371838039.

ClinVar aggregate classification (germline): Uncertain significance. Review status: criteria provided, single submitter (1 of 4 stars). 2 submissions from 1 submitter: Uncertain significance (2). Last evaluated 2022-05-04.

Conditions:
Retinitis pigmentosa (RP). Identifiers: Orphanet 791, MedGen C0035334, MeSH D012174, MONDO:0019200, OMIM 268000. Inheritance: Autosomal dominant, autosomal recessive and X linked inheritance.
Cone-rod dystrophy 16 (CORD16). Identifiers: MedGen C3281045, MONDO:0013786, OMIM 614500.

Allele frequency attached by ClinVar (database versions not stated): gnomAD exomes below 0.00001 and 0.00001.

Submissions (2):

Broad Center for Mendelian Genomics, Broad Institute of MIT and Harvard
Classification: Uncertain significance for Cone-rod dystrophy 16. Last evaluated: 2022-05-04. Review status: criteria provided, single submitter. Criteria: ACMG Guidelines, 2015. Collection method: curation. Allele origin: germline. Inheritance: Autosomal recessive inheritance.
Comment: The variant has not been previously reported in individuals with cone-rod dystrophy 16 and has been identified in 0.0009% (1/113644) of European non-Finnish chromosomes by the Genome Aggregation Database (gnomAD; dbSNP ID: rs1249678588). Although this variant has been seen in the general population, its frequency is low enough to be consistent with a recessive carrier frequency. In summary, while there is some suspicion for a pathogenic role, the clinical significance of this variant is uncertain. ACMG/AMP Criteria applied: PM2, PM3_supporting (Richards 2015).

Broad Center for Mendelian Genomics, Broad Institute of MIT and Harvard
Classification: Uncertain significance for Retinitis pigmentosa. Last evaluated: 2021-04-01. Review status: criteria provided, single submitter. Criteria: ACMG Guidelines, 2015. Collection method: curation. Allele origin: germline. Inheritance: Autosomal recessive inheritance. Affected: yes.
Comment: Based on this evidence we have classified this variant as a Variant of Uncertain Significance. If you have any questions about the classification please reach out to the Pierce Lab.

Literature cited by the submitters: PubMed 34906470.